The following is an entry in ClinVar:

NM_005633.4(SOS1):c.2528A>G (p.Glu843Gly)

Gene: SOS1 (SOS Ras/Rac guanine nucleotide exchange factor 1; minus strand). Cytogenetic location: 2p22.1.
Variant type: single nucleotide variant.
Coding change: c.2528A>G on transcript NM_005633.4 (MANE Select); coding-DNA position 2528, A replaced by G.
Protein change: p.Glu843Gly; replaces glutamic acid 843 with glycine.
Molecular consequence: missense variant.
Genome position (GRCh38, 1-based): chr2:39,007,176, T>C on the plus strand (A>G on the coding strand, the complement: SOS1 is on the minus strand). VCF-style: chr2-39007176-T-C. GRCh37 (hg19) VCF-style: chr2-39234317-T-C.
Other names: c.2507A>G, p.Glu836Gly (NM_001382394.1); c.2528A>G, p.Glu843Gly (NM_001382395.1); short protein forms E843G, E836G.
Identifiers: ClinVar variation 4747097 (VCV004747097.1).
Genomic context (GRCh38, chr2:39,007,176, plus strand): 5'-TGAAAGACTTGTAGAATCTCAATAATTCGACTCACCACAGCTACTCTTTCTTCTAAATTT[T>C]CAGTTTCTACAATACATCTGGGAATAAAAAAAAAGTGAACTAAAGGTTTTAGAGTTTTTC-3'
Protein context (NP_005624.2, residues 833-853): LWFEKCIVET[Glu843Gly]NLEERVAVVS

ClinVar aggregate classification (germline): Uncertain significance (1 of 4 stars; one submission).

Conditions:
RASopathy. Also called: Noonan spectrum disorder; rasopathies. Identifiers: Orphanet 536391, MedGen C5555857, MONDO:0021060.

gnomAD v4.1: 2 of 1,601,730 alleles (0.00012%); highest among the groups gnomAD compares: Non-Finnish European, 0.00017%; no homozygotes.

Submission:

Labcorp Genetics (formerly Invitae), Labcorp
Classification: Uncertain significance for RASopathy. Last evaluated: 2025-03-19. Review status: criteria provided, single submitter. Criteria: Invitae Variant Classification Sherloc (09022015). Collection method: clinical testing. Allele origin: germline.
Comment: This sequence change replaces glutamic acid, which is acidic and polar, with glycine, which is neutral and non-polar, at codon 843 of the SOS1 protein (p.Glu843Gly). This variant is not present in population databases (gnomAD no frequency). This variant has not been reported in the literature in individuals affected with SOS1-related conditions. Invitae Evidence Modeling of protein sequence and biophysical properties (such as structural, functional, and spatial information, amino acid conservation, physicochemical variation, residue mobility, and thermodynamic stability) has been performed for this missense variant. However, the output from this modeling did not meet the statistical confidence thresholds required to predict the impact of this variant on SOS1 protein function. In summary, the available evidence is currently insufficient to determine the role of this variant in disease. Therefore, it has been classified as a Variant of Uncertain Significance.